The following is an entry in ClinVar:

NM_133459.4(CCBE1):c.356A>T (p.Tyr119Phe)

Gene: CCBE1 (collagen and calcium binding EGF domains 1; minus strand). Cytogenetic location: 18q21.32.
Variant type: single nucleotide variant.
Coding change: c.356A>T on transcript NM_133459.4 (MANE Select); coding-DNA position 356, A replaced by T.
Protein change: p.Tyr119Phe; replaces tyrosine 119 with phenylalanine.
Molecular consequence: missense variant.
Genome position (GRCh38, 1-based): chr18:59,469,517, T>A on the plus strand (A>T on the coding strand, the complement: CCBE1 is on the minus strand). VCF-style: chr18-59469517-T-A. GRCh37 (hg19) VCF-style: chr18-57136749-T-A.
Other names: c.356A>T, p.Tyr119Phe (LRG_1209t1); short protein forms Y119F.
Identifiers: ClinVar variation 422033 (VCV000422033.4), dbSNP rs772786164, ClinGen allele CA8980526.

ClinVar aggregate classification (germline): Uncertain significance. Review status: criteria provided, multiple submitters, no conflicts (2 of 4 stars). 2 submissions from 2 submitters: Uncertain significance (2). Last evaluated 2022-05-11.

Conditions:
Inborn genetic diseases. Identifiers: MedGen C0950123, MeSH D030342.

Allele frequency attached by ClinVar (database versions not stated): gnomAD exomes 0.00002 and 0.00005; ExAC 0.00004.
gnomAD v4.1: 30 of 1,614,200 alleles (0.0019%); highest among the groups gnomAD compares: South Asian, 0.033%; no homozygotes.

Submissions (2):

Ambry Genetics
Classification: Uncertain significance for Inborn genetic diseases. Last evaluated: 2022-05-11. Review status: criteria provided, single submitter. Criteria: Ambry Variant Classification Scheme 2023. Collection method: clinical testing. Allele origin: germline.

GeneDx
Classification: Uncertain significance. Last evaluated: 2016-08-15. Review status: criteria provided, single submitter. Criteria: GeneDx Variant Classification (06012015). Collection method: clinical testing. Allele origin: germline. Affected: yes.
Comment: The Y119F variant in the CCBE1 gene has not been reported previously as a pathogenic variant, nor as a benign variant, to our knowledge. The Y119F variant was not observed in approximately 6500 individuals of European and African American ancestry in the NHLBI Exome Sequencing Project, indicating it is not a common benign variant in these populations. The Y119F variant is a non-conservative amino acid substitution, which is likely to impact secondary protein structure as these residues differ in polarity, charge, size and/or other properties. This substitution occurs at a position that is conserved across species. In silico analysis is inconsistent in its predictions as to whether or not the variant is damaging to the protein structure/function. We interpret Y119F as a variant of uncertain significance.